The following is an entry in ClinVar:

NM_182977.3(NNT):c.3224C>T (p.Ala1075Val)

Gene: NNT (nicotinamide nucleotide transhydrogenase; plus strand). Cytogenetic location: 5p12.
Variant type: single nucleotide variant.
Coding change: c.3224C>T on transcript NM_182977.3 (MANE Select); coding-DNA position 3224, C replaced by T.
Protein change: p.Ala1075Val; replaces alanine 1075 with valine.
Molecular consequence: missense variant.
Genome position (GRCh38, 1-based): chr5:43,704,367, C>T. VCF-style: chr5-43704367-C-T. GRCh37 (hg19) VCF-style: chr5-43704469-C-T.
Other names: c.2831C>T, p.Ala944Val (NM_001331026.2); c.3224C>T, p.Ala1075Val (NM_012343.4); short protein forms A1075V, A944V.
Identifiers: ClinVar variation 1315340 (VCV001315340.12), dbSNP rs139947920, ClinGen allele CA3258447.

ClinVar aggregate classification (germline): Conflicting classifications of pathogenicity. Review status: criteria provided, conflicting classifications (1 of 4 stars). 4 submissions from 4 submitters: Uncertain significance (1); Likely benign (2). 1 of the submissions does not count toward it. Last evaluated 2025-11-27.

Conditions:
Inborn genetic diseases. Identifiers: MedGen C0950123, MeSH D030342.
NNT-related disorder. Also called: NNT-related condition.

Allele frequency attached by ClinVar (database versions not stated): gnomAD exomes 0.00025; ExAC 0.00037; 1000 Genomes Project 30x 0.00078; gnomAD 0.00097 and 0.00104; 1000 Genomes Project 0.00100; ESP Exome Variant Server 0.00100; TOPMed 0.00109.
gnomAD v4.1: 343 of 1,613,618 alleles (0.021%); highest among the groups gnomAD compares: African/African-American, 0.33%; 1 homozygote.

Submissions (4):

Labcorp Genetics (formerly Invitae), Labcorp
Classification: Likely benign. Last evaluated: 2025-11-27. Review status: criteria provided, single submitter. Criteria: Invitae Variant Classification Sherloc (09022015). Collection method: clinical testing. Allele origin: germline.

Ambry Genetics
Classification: Likely benign for Inborn genetic diseases. Last evaluated: 2021-09-01. Review status: criteria provided, single submitter. Criteria: Ambry Variant Classification Scheme 2023. Collection method: clinical testing. Allele origin: germline.

GeneDx
Classification: Uncertain significance. Last evaluated: 2020-02-26. Review status: criteria provided, single submitter. Criteria: GeneDx Variant Classification Process June 2021. Collection method: clinical testing. Allele origin: germline. Affected: yes.
Comment: In silico analysis supports that this missense variant has a deleterious effect on protein structure/function; Has not been previously published as pathogenic or benign to our knowledge

PreventionGenetics, part of Exact Sciences
Classification: Likely benign for NNT-related condition. Last evaluated: 2023-06-07. Review status: no assertion criteria provided. Collection method: clinical testing. Allele origin: germline. Not counted in ClinVar's aggregate classification.
Comment: This variant is classified as likely benign based on ACMG/AMP sequence variant interpretation guidelines (Richards et al. 2015 PMID: 25741868, with internal and published modifications).